The following is an entry in ClinVar:

ClinVar aggregate classification (germline): Uncertain significance (1 of 4 stars; one submission).

Conditions:
Cystic fibrosis (CF). Also called: MUCOVISCIDOSIS. Identifiers: Orphanet 586, MedGen C0010674, MONDO:0009061, OMIM 219700. Disease mechanism: loss of function.

Submission:

Institute of Human Genetics, University of Leipzig Medical Center
Classification: Uncertain significance for Cystic fibrosis. Last evaluated: 2022-09-05. Review status: criteria provided, single submitter. Criteria: ACMG Guidelines, 2015. Collection method: curation. Allele origin: unknown. Affected: yes. Observed: 1 variant allele.
Comment: The variant was classified in the context of a project re-classifying variants in the German Cystic Fibrosis Registry (Muko.e.V.). Criteria applied: PM2_SUP

NM_000492.4:c.(273+1_274-1)_(1392+1_1393-1)dup

Gene: CFTR (CF transmembrane conductance regulator; plus strand).
Variant type: Duplication.
Other names: c.(273+1_274-1)_(1392+1_1393-1)dup (NM_000492.4).
Identifiers: ClinVar variation 1705997 (VCV001705997.1).